The following is an entry in ClinVar:

NM_006531.5(IFT88):c.230_231inv (p.Ser77Leu)

Gene: IFT88 (intraflagellar transport 88; plus strand). Cytogenetic location: 13q12.11.
Variant type: Inversion.
Coding change: c.230_231inv on transcript NM_006531.5 (MANE Select).
Protein change: p.Ser77Leu; replaces serine 77 with leucine.
Molecular consequence: missense variant. On other transcripts: 5 prime UTR variant (1), non-coding transcript variant (5).
Genome position: GRCh38 VCF-style: chr13-20590986-CA-TG. GRCh37 (hg19) VCF-style: chr13-21165125-CA-TG.
Other names: c.173_174inv, p.Ser58Leu (NM_001353574.2, NM_001353575.2, NM_001318491.2 and 1 more transcripts); c.257_258inv, p.Ser86Leu (NM_001353576.2, NM_001353577.2, NM_175605.5 and 6 more transcripts); c.230_231inv, p.Ser77Leu (NM_001353578.2, NM_001353568.2, NM_001353571.2 and 1 more transcripts); c.-334_-333inv (NM_001353579.2); short protein forms S58L, S86L, S77L.
Identifiers: ClinVar variation 2908645 (VCV002908645.3), ClinGen allele CA2739277481.

ClinVar aggregate classification (germline): Uncertain significance (1 of 4 stars; one submission).

Submission:

Labcorp Genetics (formerly Invitae), Labcorp
Classification: Uncertain significance. Last evaluated: 2023-02-06. Review status: criteria provided, single submitter. Criteria: Invitae Variant Classification Sherloc (09022015). Collection method: clinical testing. Allele origin: germline.
Comment: This sequence change replaces serine, which is neutral and polar, with leucine, which is neutral and non-polar, at codon 86 of the IFT88 protein (p.Ser86Leu). In summary, the available evidence is currently insufficient to determine the role of this variant in disease. Therefore, it has been classified as a Variant of Uncertain Significance. An algorithm developed to predict the effect of missense changes on protein structure and function (PolyPhen-2) suggests that this variant is likely to be tolerated. This variant has not been reported in the literature in individuals affected with IFT88-related conditions. Information on the frequency of this variant in the gnomAD database is not available, as this variant may be reported differently in the database.